The following is an entry in ClinVar:

NM_001376.5(DYNC1H1):c.8611A>G (p.Ile2871Val)

Gene: DYNC1H1 (dynein cytoplasmic 1 heavy chain 1; plus strand). Cytogenetic location: 14q32.31.
Variant type: single nucleotide variant.
Coding change: c.8611A>G on transcript NM_001376.5 (MANE Select); coding-DNA position 8611, A replaced by G.
Protein change: p.Ile2871Val; replaces isoleucine 2871 with valine.
Molecular consequence: missense variant.
Genome position (GRCh38, 1-based): chr14:102,022,854, A>G. VCF-style: chr14-102022854-A-G. GRCh37 (hg19) VCF-style: chr14-102489191-A-G.
Other names: short protein forms I2871V.
Identifiers: ClinVar variation 1050436 (VCV001050436.1), dbSNP rs2152586435, ClinGen allele CA391007222.

ClinVar aggregate classification (germline): Uncertain significance (0 of 4 stars; one submission).

Submission:

Department of Pathology and Laboratory Medicine, Sinai Health System
Classification: Uncertain significance. Review status: no assertion criteria provided. Collection method: clinical testing. Allele origin: unknown. Affected: yes. Study: The Canadian Open Genetics Repository (COGR).
Comment: The DYNC1H1 p.Ile2871Val variant was not identified in the literature nor was it identified in dbSNP, ClinVar or in the following control databases: the 1000 Genomes Project, the NHLBI GO Exome Sequencing Project, or the Genome Aggregation Database (March 6, 2019, v2.1.1). The p.Ile2871 residue is conserved in mammals and computational analyses (PolyPhen-2, SIFT, AlignGVGD, BLOSUM, MutationTaster) provide inconsistent predictions regarding the impact to the protein; this information is not very predictive of pathogenicity. The variant occurs outside of the splicing consensus sequence and in silico or computational prediction software programs (SpliceSiteFinder, MaxEntScan, NNSPLICE, GeneSplicer) do not predict a difference in splicing. In summary, based on the above information the clinical significance of this variant cannot be determined with certainty at this time. This variant is classified as a variant of uncertain significance.